The following is an entry in ClinVar:

NM_001127649.3(PEX26):c.*1283C>T

Gene: PEX26 (peroxisomal biogenesis factor 26; plus strand). Cytogenetic location: 22q11.21.
Variant type: single nucleotide variant.
Coding change: c.*1283C>T on transcript NM_001127649.3 (MANE Select); 1283 bases downstream of the stop codon, C replaced by T.
Molecular consequence: 3 prime UTR variant.
Genome position (GRCh38, 1-based): chr22:18,089,358, C>T. VCF-style: chr22-18089358-C-T. GRCh37 (hg19) VCF-style: chr22-18572124-C-T.
Other names: c.*1283C>T (NM_001199319.2, NM_017929.6).
Identifiers: ClinVar variation 340787 (VCV000340787.5), dbSNP rs73876563, ClinGen allele CA10645100.

ClinVar aggregate classification (germline): Benign (1 of 4 stars; one submission).

Conditions:
Peroxisome biogenesis disorder 7A (Zellweger). Also called: Peroxisome biogenesis disorder 7A. Identifiers: Orphanet 912, MedGen C3888385, MONDO:0013938, OMIM 614872.

Allele frequency attached by ClinVar (database versions not stated): TOPMed 0.01265; 1000 Genomes Project 30x 0.01546; 1000 Genomes Project 0.01597.

Submission:

Illumina Laboratory Services, Illumina
Classification: Benign for Peroxisome biogenesis disorder 7A (Zellweger). Last evaluated: 2018-01-12. Review status: criteria provided, single submitter. Criteria: ICSL Variant Classification Criteria 13 December 2019. Collection method: clinical testing. Allele origin: germline.
Comment: This variant was observed in the ICSL laboratory as part of a predisposition screen in an ostensibly healthy population. It had not been previously curated by ICSL or reported in the Human Gene Mutation Database (HGMD: prior to June 1st, 2018), and was therefore a candidate for classification through an automated scoring system. Utilizing variant allele frequency, disease prevalence and penetrance estimates, and inheritance mode, an automated score was calculated to assess if this variant is too frequent to cause the disease. Based on the score and internal cut-off values, a variant classified as benign is not then subjected to further curation. The score for this variant resulted in a classification of benign for this disease.